The following is an entry in ClinVar:

ClinVar aggregate classification (germline): Conflicting classifications of pathogenicity. Review status: criteria provided, conflicting classifications (1 of 4 stars). 16 submissions from 14 submitters: Uncertain significance (11); Likely benign (5). Last evaluated 2026-03-10.

Conditions:
DSP-related disorder. Also called: DSP-related condition; DSP-related disorders.
Cardiomyopathy, dilated, with wooly hair, keratoderma, and tooth agenesis. Also called: Erythrokeratodermia-cardiomyopathy syndrome; Cardiomyopathy, dilated, with woolly hair, keratoderma, and tooth agenesis. Identifiers: Orphanet 476096, Orphanet 65282, MedGen C4014393, MONDO:0014355, OMIM 615821.
Lethal acantholytic epidermolysis bullosa (EBLA). Identifiers: Orphanet 158687, MedGen C1864826, MONDO:0012323, OMIM 609638.
Arrhythmogenic right ventricular dysplasia 8 (ARVD8). Also called: Arrhythmogenic Right Ventricular Dysplasia/Cardiomyopathy 8; ARRHYTHMOGENIC RIGHT VENTRICULAR DYSPLASIA, FAMILIAL, 8; ARRHYTHMOGENIC RIGHT VENTRICULAR CARDIOMYOPATHY 8. Identifiers: MedGen C1843896, MONDO:0011831, OMIM 607450.
Keratosis palmoplantaris striata 2. Also called: KERATODERMA, PALMOPLANTAR, STRIATE FORM II; STRIATE PALMOPLANTAR KERATODERMA II; Keratosis palmoplantaris striata II. Identifiers: MedGen C1852127, MONDO:0013034, OMIM 612908.
Arrhythmogenic cardiomyopathy with wooly hair and keratoderma. Also called: Carvajal syndrome; Dilated cardiomyopathy with woolly hair and keratoderma; PALMOPLANTAR KERATODERMA WITH LEFT VENTRICULAR CARDIOMYOPATHY AND WOOLLY HAIR; Arrhythmogenic cardiomyopathy with woolly hair and keratoderma. Identifiers: Orphanet 65282, MedGen C1854063, MONDO:0011581, OMIM 605676.
Cardiovascular phenotype. Identifiers: MedGen CN230736.
Cardiomyopathy (CMYO). Also called: Cardiomyopathies. Identifiers: Orphanet 167848, MedGen C0878544, MONDO:0004994, HP:0001638. Inheritance: Various modes of inheritance.
Woolly hair-skin fragility syndrome (WHSF). Identifiers: Orphanet 293165, MedGen C1843292, MONDO:0957307, OMIM 620415.

Allele frequency attached by ClinVar (database versions not stated): gnomAD exomes 0.00017 and 0.00006; ExAC 0.00008; ESP Exome Variant Server 0.00008; TOPMed 0.00012; gnomAD 0.00013 and 0.00014.
gnomAD v4.1: 280 of 1,613,952 alleles (0.017%); highest among the groups gnomAD compares: Non-Finnish European, 0.022%; no homozygotes.

Submissions (16):

PreventionGenetics, part of Exact Sciences
Classification: Uncertain significance for DSP-related condition. Last evaluated: 2026-03-10. Review status: criteria provided, single submitter. Criteria: ACMG Guidelines, 2015. Collection method: clinical testing. Allele origin: germline.
Comment: The DSP c.889G>A variant is predicted to result in the amino acid substitution p.Asp297Asn. This variant has been reported in cohort studies of cardiomyopathy (Table S3, Mazzarotto et al. 2020. PubMed ID: 31983221; Table S9, McGurk et al. 2023. PubMed ID: 37652022); however, detailed clinical information of these individuals was not provided. This variant is reported in 0.012% of alleles in individuals of European (Non-Finnish) descent in gnomAD. At this time, the clinical significance of this variant is uncertain due to the absence of conclusive functional and genetic evidence.

Labcorp Genetics (formerly Invitae), Labcorp
Classification: Likely benign for Arrhythmogenic cardiomyopathy with wooly hair and keratoderma; Arrhythmogenic right ventricular dysplasia 8. Last evaluated: 2026-01-28. Review status: criteria provided, single submitter. Criteria: Invitae Variant Classification Sherloc (09022015). Collection method: clinical testing. Allele origin: germline.

Color Diagnostics, LLC DBA Color Health
Classification: Uncertain significance for Cardiomyopathy. Last evaluated: 2025-12-17. Review status: criteria provided, single submitter. Criteria: ACMG Guidelines, 2015. Collection method: clinical testing. Allele origin: germline.
Comment: This missense variant replaces aspartic acid with asparagine at codon 297 of the DSP protein. Computational prediction suggests that this variant may have deleterious impact on protein structure and function. To our knowledge, functional studies have not been reported for this variant. This variant has been reported in individuals affected with dilated cardiomyopathy and peripartum cardiomyopathy (PMID: 31983221, 33874732). This variant has been identified in 280/1613952 chromosomes in the general population by the Genome Aggregation Database (gnomAD). The available evidence is insufficient to determine the role of this variant in disease conclusively. Therefore, this variant is classified as a Variant of Uncertain Significance.

GeneDx
Classification: Uncertain significance. Last evaluated: 2025-12-09. Review status: criteria provided, single submitter. Criteria: GeneDx Variant Classification Process June 2021. Collection method: clinical testing. Allele origin: germline. Affected: yes.
Comment: Reported in a patient with ARVC/D who also harbored a pathogenic variant in the PKP2 gene (PMID: 20857253); Also reported in a patient with dilated cardiomyopathy; however, this variant was also reported in two control individuals from this study (PMID: 31983221); In silico analysis supports that this missense variant has a deleterious effect on protein structure/function; This variant is associated with the following publications: (PMID: 20857253, 31983221, 37652022)

Women's Health and Genetics/Laboratory Corporation of America, LabCorp
Classification: Likely benign. Last evaluated: 2025-07-09. Review status: criteria provided, single submitter. Criteria: LabCorp Variant Classification Summary - May 2015. Collection method: clinical testing. Allele origin: germline.
Comment: Variant summary: DSP c.889G>A (p.Asp297Asn) results in a conservative amino acid change located in the Spectrin/alpha-actinin repeat (IPR018159) of the encoded protein sequence. Algorithms developed to predict the effect of missense changes on protein structure and function are either unavailable or do not agree on the potential impact of this missense change. The variant allele was found at a frequency of 0.00017 in 1613952 control chromosomes, predominantly at a frequency of 0.00022 within the Non-Finnish European subpopulation in the gnomAD database (v4). The observed variant frequency within Non-Finnish European control individuals in the gnomAD database is higher than the estimated maximal expected allele frequency for a pathogenic variant in DSP causing Arrhythmogenic Right Ventricular Dysplasia/Cardiomyopathy phenotype (0.0002). c.889G>A has been reported in the literature in an individual affected with Dilated cardiomyopathy but it was also reported in healthy controls (Mazzarotto_2020). These report(s) do not provide unequivocal conclusions about association of the variant with Arrhythmogenic Right Ventricular Dysplasia/Cardiomyopathy. To our knowledge, no experimental evidence demonstrating an impact on protein function has been reported. The following publication have been ascertained in the context of this evaluation (PMID: 31983221). ClinVar contains an entry for this variant (Variation ID: 44980). Based on the evidence outlined above, the variant was classified as likely benign.

Molecular Diagnostic Laboratory for Inherited Cardiovascular Disease, Montreal Heart Institute
Classification: Uncertain significance for Cardiovascular phenotype. Last evaluated: 2025-02-17. Review status: criteria provided, single submitter. Criteria: ACMG Guidelines, 2015. Collection method: clinical testing. Allele origin: germline. Affected: yes.

Ambry Genetics
Classification: Uncertain significance for Cardiovascular phenotype. Last evaluated: 2024-12-18. Review status: criteria provided, single submitter. Criteria: Ambry Variant Classification Scheme 2023. Collection method: clinical testing. Allele origin: germline.

Fulgent Genetics
Classification: Uncertain significance for Arrhythmogenic cardiomyopathy with wooly hair and keratoderma; Arrhythmogenic right ventricular dysplasia 8; Lethal acantholytic epidermolysis bullosa; Keratosis palmoplantaris striata 2; Cardiomyopathy, dilated, with wooly hair, keratoderma, and tooth agenesis. Last evaluated: 2024-04-16. Review status: criteria provided, single submitter. Criteria: ACMG Guidelines, 2015. Collection method: clinical testing. Allele origin: germline.

Blueprint Genetics
Classification: Uncertain significance. Last evaluated: 2024-01-08. Review status: criteria provided, single submitter. Criteria: ACMG Guidelines, 2015. Collection method: clinical testing. Allele origin: germline.

Molecular Genetics, Royal Melbourne Hospital
Classification: Uncertain significance for Cardiomyopathy. Last evaluated: 2024-01-05. Review status: criteria provided, single submitter. Criteria: ACMG Guidelines, 2015. Collection method: clinical testing. Allele origin: germline. Inheritance: Autosomal dominant inheritance. Affected: yes.
Comment: This sequence change in DSP is predicted to replace aspartic acid with asparagine at codon 297, p.(Asp297Asn). The aspartic acid residue is highly conserved (100 vertebrates, UCSC) and is located in the globular 1 region. There is a small physicochemical difference between aspartic acid and asparagine. The highest population minor allele frequency in the population database gnomAD v2.1 is 0.012% (16/129,034 alleles) in the European (non-Finnish) population. This variant has been reported in multiple individuals with and without cardiomyopathy. (PMID: 31983221, 33874732). Computational evidence predicts a deleterious effect for the missense substitution (REVEL = 0.731). Based on the classification scheme RMH Modified ACMG/AMP Guidelines v1.6.1, this variant is classified as a VARIANT OF UNCERTAIN SIGNIFICANCE. Following criteria are met: PP3

Mayo Clinic Laboratories, Mayo Clinic
Classification: Uncertain significance. Last evaluated: 2023-02-21. Review status: criteria provided, single submitter. Criteria: ACMG Guidelines, 2015. Collection method: clinical testing. Allele origin: germline. Observed: 2 variant alleles.

Illumina Laboratory Services, Illumina
Classification: Likely benign for Lethal acantholytic epidermolysis bullosa. Last evaluated: 2017-04-28. Review status: criteria provided, single submitter. Criteria: ICSL Variant Classification Criteria 13 December 2019. Collection method: clinical testing. Allele origin: germline.
Comment: This variant was observed as part of a predisposition screen in an ostensibly healthy population. A literature search was performed for the gene, cDNA change, and amino acid change (where applicable). No publications were found based on this search. Allele frequency data from public databases allowed determination this variant is unlikely to cause disease. Therefore, this variant is classified as likely benign.

Illumina Laboratory Services, Illumina
Classification: Likely benign for Arrhythmogenic right ventricular dysplasia 8. Last evaluated: 2017-04-28. Review status: criteria provided, single submitter. Criteria: ICSL Variant Classification Criteria 13 December 2019. Collection method: clinical testing. Allele origin: germline.
Comment: the same text as in the submission from Illumina Laboratory Services, Illumina above.

Illumina Laboratory Services, Illumina
Classification: Likely benign for Arrhythmogenic cardiomyopathy with wooly hair and keratoderma. Last evaluated: 2017-04-28. Review status: criteria provided, single submitter. Criteria: ICSL Variant Classification Criteria 13 December 2019. Collection method: clinical testing. Allele origin: germline.
Comment: the same text as in the submission from Illumina Laboratory Services, Illumina above.

Stanford Center for Inherited Cardiovascular Disease, Stanford University
Classification: Uncertain significance. Last evaluated: 2016-10-24. Review status: criteria provided, single submitter. Criteria: ACMG Guidelines, 2015. Collection method: provider interpretation. Allele origin: germline.

Laboratory for Molecular Medicine, Mass General Brigham Personalized Medicine
Classification: Uncertain significance. Last evaluated: 2012-02-22. Review status: criteria provided, single submitter. Criteria: LMM Criteria. Collection method: clinical testing. Allele origin: germline. Observed: 1 variant allele.
Comment: The Asp297Asn variant (DSP) has been identified in 1/7020 European American chro mosomes and 1/3738 African American chromosomes from a broad population by the N HLBI Exome sequencing project. Aspartic acid (Asp) at position 297 is highly conserved in mammals and across evolutionarily d istant species, though computational analyses (biochemical amino acid properties , AlignGVGD, PolyPhen2, and SIFT) do not provide strong support for or against a n impact to the protein. Additional information is needed to fully assess the cl inical significance of the Asp297Asn variant.

Literature cited by the submitters: PubMed 31983221 (cited by 4 submitters); PubMed 33874732 (cited by Color Diagnostics, LLC DBA Color Health and Molecular Genetics, Royal Melbourne Hospital); PubMed 20857253 (cited by Mayo Clinic Laboratories, Mayo Clinic).

NM_004415.4(DSP):c.889G>A (p.Asp297Asn)

Gene: DSP (desmoplakin; plus strand). Cytogenetic location: 6p24.3.
Variant type: single nucleotide variant.
Coding change: c.889G>A on transcript NM_004415.4 (MANE Select); coding-DNA position 889, G replaced by A.
Protein change: p.Asp297Asn; replaces aspartic acid 297 with asparagine.
Molecular consequence: missense variant.
Genome position (GRCh38, 1-based): chr6:7,565,470, G>A. VCF-style: chr6-7565470-G-A. GRCh37 (hg19) VCF-style: chr6-7565703-G-A.
Other names: c.889G>A, p.Asp297Asn (NM_001008844.3, NM_001319034.2); short protein forms D297N.
Identifiers: ClinVar variation 44980 (VCV000044980.46), dbSNP rs201930322, ClinGen allele CA007809.